The following is an entry in ClinVar:

NM_001042750.2(STAG2):c.5T>C (p.Ile2Thr)

Gene: STAG2 (stromal antigen 2; plus strand). Cytogenetic location: Xq25.
Variant type: single nucleotide variant.
Coding change: c.5T>C on transcript NM_001042750.2 (MANE Select); coding-DNA position 5, T replaced by C.
Protein change: p.Ile2Thr; replaces isoleucine 2 with threonine.
Molecular consequence: missense variant.
Genome position (GRCh38, 1-based): chrX:124,022,632, T>C. VCF-style: chrX-124022632-T-C. GRCh37 (hg19) VCF-style: chrX-123156482-T-C.
Other names: c.5T>C, p.Ile2Thr (NM_001042749.2, NM_001042751.2, NM_001282418.2 and 2 more transcripts); short protein forms I2T.
Identifiers: ClinVar variation 1031012 (VCV001031012.1), dbSNP rs2056968861, ClinGen allele CA414271407.

ClinVar aggregate classification (germline): Uncertain significance (1 of 4 stars; one submission).

Conditions:
Mullegama-Klein-Martinez syndrome. Also called: NEURODEVELOPMENTAL DISORDER, X-LINKED, WITH CRANIOFACIAL ABNORMALITIES. Identifiers: MedGen C5193008, MONDO:0026722, OMIM 301022.

Submission:

Baylor Genetics
Classification: Uncertain significance for Mullegama-Klein-Martinez syndrome. Last evaluated: 2020-09-19. Review status: criteria provided, single submitter. Criteria: ACMG Guidelines, 2015. Collection method: clinical testing. Allele origin: unknown. Affected: yes.
Comment: This variant was determined to be of uncertain significance according to ACMG Guidelines, 2015 [PMID:25741868].